The following is an entry in ClinVar:

NM_000318.3(PEX2):c.18_19del (p.Asn7fs)

Gene: PEX2 (peroxisomal biogenesis factor 2; minus strand). Cytogenetic location: 8q21.13.
Variant type: Microsatellite.
Coding change: c.18_19del on transcript NM_000318.3 (MANE Select); coding-DNA positions 18 to 19, 2 bases deleted (GA; older notation c.18_19delGA).
Protein change: p.Asn7fs; shifts the reading frame from asparagine 7.
Molecular consequence: frameshift variant.
Genome position (GRCh38, 1-based): chr8:76,984,160-76,984,161, TC deleted on the plus strand (GA on the coding strand, the reverse complement: PEX2 is on the minus strand); deleting any 2 consecutive bases within chr8:76,984,160-76,984,164 gives the same sequence; the c. name uses the placement nearest the transcript's 3' end. VCF-style (leftmost placement, unchanged base first): chr8-76984159-TTC-T. GRCh37 (hg19) VCF-style: chr8-77896395-TTC-T.
Other names: c.18_19del, p.Asn7fs (NM_001079867.2, NM_001172086.2, NM_001172087.2); short protein forms N7fs.
Identifiers: ClinVar variation 3727380 (VCV003727380.2).

ClinVar aggregate classification (germline): Pathogenic (1 of 4 stars; one submission).

Conditions:
Peroxisome biogenesis disorder 5A (Zellweger) (PBD5A). Identifiers: Orphanet 912, MedGen C3553940, MONDO:0013932, OMIM 614866.

Submission:

Labcorp Genetics (formerly Invitae), Labcorp
Classification: Pathogenic for Peroxisome biogenesis disorder 5A (Zellweger). Last evaluated: 2024-09-10. Review status: criteria provided, single submitter. Criteria: Invitae Variant Classification Sherloc (09022015). Collection method: clinical testing. Allele origin: germline.
Comment: This sequence change creates a premature translational stop signal (p.Asn7Cysfs*17) in the PEX2 gene. While this is not anticipated to result in nonsense mediated decay, it is expected to disrupt the last 299 amino acid(s) of the PEX2 protein. This variant is not present in population databases (gnomAD no frequency). This variant has not been reported in the literature in individuals affected with PEX2-related conditions. This variant disrupts a region of the PEX2 protein in which other variant(s) (p.Lys215Serfs*2) have been determined to be pathogenic (PMID: 10652207; internal data). This suggests that this is a clinically significant region of the protein, and that variants that disrupt it are likely to be disease-causing. For these reasons, this variant has been classified as Pathogenic.

Literature cited by the submitters: PubMed 10652207.